The following is an entry in ClinVar:

NM_001605.3(AARS1):c.*74A>T

Gene: AARS1 (alanyl-tRNA synthetase 1; minus strand). Cytogenetic location: 16q22.1.
Variant type: single nucleotide variant.
Coding change: c.*74A>T on transcript NM_001605.3 (MANE Select); 74 bases downstream of the stop codon, A replaced by T.
Molecular consequence: 3 prime UTR variant.
Genome position (GRCh38, 1-based): chr16:70,252,647, T>A on the plus strand (A>T on the coding strand, the complement: AARS1 is on the minus strand). VCF-style: chr16-70252647-T-A. GRCh37 (hg19) VCF-style: chr16-70286550-T-A.
Identifiers: ClinVar variation 320323 (VCV000320323.8), dbSNP rs11537663, ClinGen allele CA10644128.

ClinVar aggregate classification (germline): Benign. Review status: criteria provided, multiple submitters, no conflicts (2 of 4 stars). 3 submissions from 3 submitters: Benign (3). Last evaluated 2018-06-16.

Conditions:
Charcot-Marie-Tooth disease axonal type 2N (CMT2N). Also called: Charcot-Marie-Tooth Neuropathy Type 2N; CHARCOT-MARIE-TOOTH DISEASE, AXONAL, AUTOSOMAL DOMINANT, TYPE 2N; CHARCOT-MARIE-TOOTH NEUROPATHY, AXONAL, TYPE 2N. Identifiers: Orphanet 228174, MedGen C2750090, MONDO:0013212, OMIM 613287.

Allele frequency attached by ClinVar (database versions not stated): 1000 Genomes Project 30x 0.04872; 1000 Genomes Project 0.05112; gnomAD 0.05894 and 0.05921; gnomAD exomes 0.06845; TOPMed 0.05740.
gnomAD v4.1: 104,740 of 1,549,306 alleles (6.8%); highest among the groups gnomAD compares: Middle Eastern, 7.9%; 3,929 homozygotes.

Submissions (3):

GeneDx
Classification: Benign. Last evaluated: 2018-06-16. Review status: criteria provided, single submitter. Criteria: GeneDx Variant Classification Process June 2021. Collection method: clinical testing. Allele origin: germline. Affected: yes.

Illumina Laboratory Services, Illumina
Classification: Benign for Charcot-Marie-Tooth disease axonal type 2N. Last evaluated: 2018-01-13. Review status: criteria provided, single submitter. Criteria: ICSL Variant Classification Criteria 13 December 2019. Collection method: clinical testing. Allele origin: germline.
Comment: This variant was observed in the ICSL laboratory as part of a predisposition screen in an ostensibly healthy population. It had not been previously curated by ICSL or reported in the Human Gene Mutation Database (HGMD: prior to June 1st, 2018), and was therefore a candidate for classification through an automated scoring system. Utilizing variant allele frequency, disease prevalence and penetrance estimates, and inheritance mode, an automated score was calculated to assess if this variant is too frequent to cause the disease. Based on the score and internal cut-off values, a variant classified as benign is not then subjected to further curation. The score for this variant resulted in a classification of benign for this disease.

Breakthrough Genomics
Classification: Benign. Review status: criteria provided, single submitter. Criteria: ACMG Guidelines, 2015. Collection method: not provided. Allele origin: germline. Inheritance: Autosomal recessive inheritance. Affected: yes.